The following is an entry in ClinVar:

ClinVar aggregate classification (germline): Uncertain significance (1 of 4 stars; one submission).

Submission:

GeneDx
Classification: Uncertain significance. Last evaluated: 2024-06-14. Review status: criteria provided, single submitter. Criteria: GeneDx Variant Classification Process June 2021. Collection method: clinical testing. Allele origin: germline. Affected: yes.
Comment: Not observed at significant frequency in large population cohorts (gnomAD); In silico analysis supports a deleterious effect on splicing; Has not been previously published as pathogenic or benign to our knowledge

NM_001395002.1(MAP4K4):c.3070+5G>A

Gene: MAP4K4 (mitogen-activated protein kinase kinase kinase kinase 4; plus strand). Cytogenetic location: 2q11.2.
Variant type: single nucleotide variant.
Coding change: c.3070+5G>A on transcript NM_001395002.1 (MANE Select); 5 bases into the intron after coding-DNA position 3070, G replaced by A.
Molecular consequence: intron variant.
Genome position (GRCh38, 1-based): chr2:101,873,769, G>A. VCF-style: chr2-101873769-G-A. GRCh37 (hg19) VCF-style: chr2-102490231-G-A.
Other names: c.2878+5G>A (NM_001384506.1); c.3061+5G>A (NM_001384497.1); c.2839+5G>A (NM_001384486.1); c.2647+5G>A (NM_001384507.1); c.2830+5G>A (NM_001384481.1); c.2836+5G>A (NM_001384488.1); c.2635+5G>A (NM_001242559.2); c.2908+5G>A (NM_001384493.1); and 39 more.
Identifiers: ClinVar variation 3390448 (VCV003390448.1).